The following continues an entry in ClinVar:

NM_018082.6(POLR3B):c.1244T>C (p.Met415Thr)

Gene: POLR3B. ClinVar aggregate classification (germline): Conflicting classifications of pathogenicity. Pathogenic (6); Likely pathogenic (8); Uncertain significance (7).

Submissions 9 to 23 of 23:

Blueprint Genetics
Classification: Pathogenic for POLR3B-related disorders. Last evaluated: 2024-11-06. Review status: criteria provided, single submitter. Criteria: ACMG Guidelines, 2015. Collection method: clinical testing. Allele origin: germline. Affected: yes. Observed: 5 variant alleles.

Fulgent Genetics
Classification: Likely pathogenic for Leukodystrophy, hypomyelinating, 8, with or without oligodontia and/or hypogonadotropic hypogonadism; Charcot-Marie-Tooth disease, demyelinating, IIA 1I. Last evaluated: 2024-04-10. Review status: criteria provided, single submitter. Criteria: ACMG Guidelines, 2015. Collection method: clinical testing. Allele origin: germline.

Illumina Laboratory Services, Illumina
Classification: Uncertain significance for POLR-related leukodystrophy. Last evaluated: 2023-09-14. Review status: criteria provided, single submitter. Criteria: ICSLVariantClassificationCriteria RUGD 01 April 2020. Collection method: clinical testing. Allele origin: unknown.
Comment: The POLR3B c.1244T>C (p.Met415Thr) missense variant has been reported in at least five individuals with variable presentations of POLR3-related conditions, including ataxia, hypogonadotropic hypogonadism, white matter abnormalities on brain MRI, and myopia (PMID: 25133958; 27029625; 27512013; 33726816; 34440436). In two of these cases, the variant co-occurred with a predicted loss of function variant, and in at least three other cases it has been reported in trans with another missense variant. The highest frequency of this allele in the Genome Aggregation Database is 0.001337 in the European (non-Finnish) population (version 3.1.2). Computational evidence suggests the variant may impact the gene or gene product. Based on the available evidence, the c.1244T>C (p.Met415Thr) variant is classified as a variant of uncertain significance for POLR3-related leukodystrophy.

Genetics and Molecular Pathology, SA Pathology
Classification: Uncertain significance for Leukodystrophy, hypomyelinating, 8, with or without oligodontia and/or hypogonadotropic hypogonadism. Last evaluated: 2022-10-31. Review status: criteria provided, single submitter. Criteria: ACMG Guidelines, 2015. Collection method: clinical testing. Allele origin: germline. Affected: yes.

Ambry Genetics
Classification: Likely pathogenic for Inborn genetic diseases. Last evaluated: 2022-08-04. Review status: criteria provided, single submitter. Criteria: Ambry Variant Classification Scheme 2023. Collection method: clinical testing. Allele origin: germline.
Comment: The c.1244T>C (p.M415T) alteration is located in exon 13 (coding exon 13) of the POLR3B gene. This alteration results from a T to C substitution at nucleotide position 1244, causing the methionine (M) at amino acid position 415 to be replaced by a threonine (T)._x000D_ _x000D_ Based on the available evidence, the c.1244T>C p.M415T alteration is classified as likely pathogenic for autosomal recessive POLR3B-related hypomyelinating leukodystrophy; however, it is unlikely to be causative of autosomal dominant POLR3B-related Charcot-Marie-Tooth disease type 1. Based on data from gnomAD, the C allele has an overall frequency of 0.06% (160/282446) total alleles studied. The highest observed frequency was 0.12% (149/128840) of European (non-Finnish) alleles. This variant has been reported to be compound heterozygous with other POLR3B variants in multiple individuals with features consistent with POLR3B-related hypomyelinating leukodystrophy (Fogel, 2014; La Piana, 2016; Richards, 2017; Barbosa-Gouveia, 2021; Gach, 2022). This amino acid position is highly conserved in available vertebrate species. The in silico prediction for this alteration is inconclusive. Based on the available evidence, this alteration is classified as likely pathogenic.

Undiagnosed Diseases Network, NIH
Classification: Likely pathogenic for Leukodystrophy, hypomyelinating, 8, with or without oligodontia and/or hypogonadotropic hypogonadism. Last evaluated: 2022-05-30. Review status: criteria provided, single submitter. Criteria: ACMG Guidelines, 2015. Collection method: clinical testing. Allele origin: maternal. Affected: yes. Observed: 1 variant allele, 1 heterozygote. Study: Undiagnosed Diseases Network (NIH), UDN.

Baylor Genetics
Classification: Pathogenic for Leukodystrophy, hypomyelinating, 8, with or without oligodontia and/or hypogonadotropic hypogonadism. Last evaluated: 2021-02-21. Review status: criteria provided, single submitter. Criteria: ACMG Guidelines, 2015. Collection method: clinical testing. Allele origin: unknown.

Laboratorio de Genetica e Diagnostico Molecular, Hospital Israelita Albert Einstein
Classification: Likely pathogenic. Last evaluated: 2020-11-16. Review status: criteria provided, single submitter. Criteria: ACMG Guidelines, 2015. Collection method: clinical testing. Allele origin: germline. Affected: yes.
Comment: ACMG classification criteria: PS4, PM3, PP3

Institute of Medical Genetics and Applied Genomics, University Hospital Tübingen
Classification: Pathogenic. Last evaluated: 2020-10-23. Review status: criteria provided, single submitter. Criteria: ACMG Guidelines, 2015. Collection method: clinical testing. Allele origin: germline. Inheritance: Unknown mechanism. Affected: yes.

Cambridge Genomics Laboratory, East Genomic Laboratory Hub, NHS Genomic Medicine Service
Classification: Uncertain significance for Intellectual disability. Last evaluated: 2020-05-29. Review status: criteria provided, single submitter. Criteria: ACGS Best Practice Guidelines for Variant Classification in Rare Disease 2020. Collection method: clinical testing. Allele origin: germline. Affected: yes. Observed: 1 variant allele.

Institute of Human Genetics, University of Leipzig Medical Center
Classification: Likely pathogenic for Leukodystrophy, hypomyelinating, 8, with or without oligodontia and/or hypogonadotropic hypogonadism. Last evaluated: 2019-01-01. Review status: criteria provided, single submitter. Criteria: ACMG Guidelines, 2015. Collection method: clinical testing. Allele origin: unknown. Affected: yes.

Fulgent Genetics
Classification: Uncertain significance for Hypogonadotropic hypogonadism 7 with or without anosmia; Leukodystrophy, hypomyelinating, 7, with or without oligodontia and/or hypogonadotropic hypogonadism; Leukodystrophy, hypomyelinating, 8, with or without oligodontia and/or hypogonadotropic hypogonadism. Last evaluated: 2018-10-31. Review status: criteria provided, single submitter. Criteria: ACMG Guidelines, 2015. Collection method: clinical testing. Allele origin: unknown.

Eurofins Ntd Llc (ga)
Classification: Uncertain significance. Last evaluated: 2018-05-30. Review status: criteria provided, single submitter. Criteria: EGL ClinVar v180209 classification definitions. Collection method: clinical testing. Allele origin: germline. Observed: 2 variant alleles, 2 heterozygotes.

Yale Center for Mendelian Genomics, Yale University
Classification: Uncertain significance for Amenorrhea. Last evaluated: 2021-03-08. Review status: no assertion criteria provided. Collection method: literature only. Allele origin: unknown. Affected: yes. Observed: 1 heterozygote. Study: Yale Center for Mendelian Genomics. Not counted in ClinVar's aggregate classification.

GeneReviews
No classification provided. Condition: Leukodystrophy, hypomyelinating, 8, with or without oligodontia and/or hypogonadotropic hypogonadism. Review status: no classification provided. Collection method: literature only. Allele origin: germline. Not counted in ClinVar's aggregate classification.

Literature cited by the submitters: PubMed 33726816 (cited by Women's Health and Genetics/Laboratory Corporation of America, LabCorp and Mayo Clinic Laboratories, Mayo Clinic); PubMed 34440436 (cited by 4 submitters); PubMed 25133958 (cited by 5 submitters); PubMed 32345981 (cited by Women's Health and Genetics/Laboratory Corporation of America, LabCorp); PubMed 32870266 (cited by 3 submitters); PubMed 27029625 (cited by 5 submitters); PubMed 27512013 (cited by 5 submitters); PubMed 40554621 (cited by Women's Health and Genetics/Laboratory Corporation of America, LabCorp); PubMed 35316923 (cited by 3 submitters); PubMed 36268624 (cited by Labcorp Genetics (formerly Invitae), Labcorp and Mayo Clinic Laboratories, Mayo Clinic); PubMed 37273706 (cited by Labcorp Genetics (formerly Invitae), Labcorp and Mayo Clinic Laboratories, Mayo Clinic); PubMed 40684265 (cited by Mayo Clinic Laboratories, Mayo Clinic); PubMed 22855961 (cited by GeneReviews).